The following is an entry in ClinVar:

NM_000260.4(MYO7A):c.5887_5889del (p.Phe1963del)

Gene: MYO7A (myosin VIIA; plus strand). Cytogenetic location: 11q13.5.
Variant type: Deletion.
Coding change: c.5887_5889del on transcript NM_000260.4 (MANE Select); coding-DNA positions 5887 to 5889, 3 bases deleted (TTT; older notation c.5887_5889delTTT).
Protein change: p.Phe1963del; deletes phenylalanine 1963.
Molecular consequence: inframe deletion.
Genome position (GRCh38, 1-based): chr11:77,208,460-77,208,462, TTT deleted. VCF-style (leftmost placement, unchanged base first): chr11-77208459-CTTT-C. GRCh37 (hg19) VCF-style: chr11-76919504-CTTT-C.
Other names: c.5773_5775del, p.Phe1925del (NM_001127180.2); c.5740_5742del, p.Phe1914del (NM_001369365.1); short protein forms F1914del, F1963del, F1925del.
Identifiers: ClinVar variation 940789 (VCV000940789.7), dbSNP rs1025915101, ClinGen allele CA224825214.

ClinVar aggregate classification (germline): Pathogenic (1 of 4 stars; one submission).

Allele frequency attached by ClinVar (database versions not stated): TOPMed 0.00001; gnomAD exomes below 0.00001.

Submission:

Labcorp Genetics (formerly Invitae), Labcorp
Classification: Pathogenic. Last evaluated: 2022-03-18. Review status: criteria provided, single submitter. Criteria: Invitae Variant Classification Sherloc (09022015). Collection method: clinical testing. Allele origin: germline.
Comment: This variant, c.5887_5889del, results in the deletion of 1 amino acid(s) of the MYO7A protein (p.Phe1963del), but otherwise preserves the integrity of the reading frame. This variant is not present in population databases (gnomAD no frequency). This variant has been observed in individual(s) with Usher syndrome (PMID: 16679490, 24199935, 29142287, 30459346). In at least one individual the data is consistent with being in trans (on the opposite chromosome) from a pathogenic variant. This variant is also known as p.Phe1962del. ClinVar contains an entry for this variant (Variation ID: 940789). Algorithms developed to predict the effect of sequence changes on RNA splicing suggest that this variant may disrupt the consensus splice site. For these reasons, this variant has been classified as Pathogenic.

Literature cited by the submitters: PubMed 16679490; PubMed 24199935; PubMed 29142287; PubMed 30459346.